The following is an entry in ClinVar:

ClinVar aggregate classification (germline): Uncertain significance (1 of 4 stars; one submission).

Allele frequency attached by ClinVar (database versions not stated): gnomAD exomes below 0.00001; ExAC 0.00001.
gnomAD v4.1: 1 of 1,613,988 alleles (0.000062%); highest among the groups gnomAD compares: Non-Finnish European, 0.000085%; no homozygotes.

Submission:

Labcorp Genetics (formerly Invitae), Labcorp
Classification: Uncertain significance. Last evaluated: 2022-02-03. Review status: criteria provided, single submitter. Criteria: Invitae Variant Classification Sherloc (09022015). Collection method: clinical testing. Allele origin: germline.
Comment: In summary, the available evidence is currently insufficient to determine the role of this variant in disease. Therefore, it has been classified as a Variant of Uncertain Significance. Algorithms developed to predict the effect of missense changes on protein structure and function are either unavailable or do not agree on the potential impact of this missense change (SIFT: "Deleterious"; PolyPhen-2: "Not Available"; Align-GVGD: "Class C0"). ClinVar contains an entry for this variant (Variation ID: 1058156). This variant has not been reported in the literature in individuals affected with CDH23-related conditions. This variant is present in population databases (rs746095109, gnomAD 0.0009%). This sequence change replaces threonine, which is neutral and polar, with proline, which is neutral and non-polar, at codon 2143 of the CDH23 protein (p.Thr2143Pro).

NM_022124.6(CDH23):c.6427A>C (p.Thr2143Pro)

Gene: CDH23 (cadherin related 23; plus strand). Cytogenetic location: 10q22.1.
Variant type: single nucleotide variant.
Coding change: c.6427A>C on transcript NM_022124.6 (MANE Select); coding-DNA position 6427, A replaced by C.
Protein change: p.Thr2143Pro; replaces threonine 2143 with proline.
Molecular consequence: missense variant.
Genome position (GRCh38, 1-based): chr10:71,793,355, A>C. VCF-style: chr10-71793355-A-C. GRCh37 (hg19) VCF-style: chr10-73553112-A-C.
Other names: short protein forms T2143P.
Identifiers: ClinVar variation 1058156 (VCV001058156.9), dbSNP rs746095109, ClinGen allele CA5546077.